The following is an entry in ClinVar:

ClinVar aggregate classification (germline): Uncertain significance (1 of 4 stars; one submission).

Conditions:
Charcot-Marie-Tooth disease type 2. Also called: Charcot-Marie-Tooth type 2. Identifiers: Orphanet 64746, MedGen C0270914, MONDO:0018993.

Allele frequency attached by ClinVar (database versions not stated): gnomAD exomes below 0.00001.
gnomAD v4.1: 2 of 1,614,148 alleles (0.00012%); highest among the groups gnomAD compares: Admixed American, 0.0033%; no homozygotes.

Submission:

Labcorp Genetics (formerly Invitae), Labcorp
Classification: Uncertain significance for Charcot-Marie-Tooth disease type 2. Last evaluated: 2022-10-24. Review status: criteria provided, single submitter. Criteria: Invitae Variant Classification Sherloc (09022015). Collection method: clinical testing. Allele origin: germline.
Comment: This sequence change replaces glutamic acid, which is acidic and polar, with alanine, which is neutral and non-polar, at codon 542 of the MFN2 protein (p.Glu542Ala). In summary, the available evidence is currently insufficient to determine the role of this variant in disease. Therefore, it has been classified as a Variant of Uncertain Significance. Advanced modeling of protein sequence and biophysical properties (such as structural, functional, and spatial information, amino acid conservation, physicochemical variation, residue mobility, and thermodynamic stability) performed at Invitae indicates that this missense variant is expected to disrupt MFN2 protein function. This variant has not been reported in the literature in individuals affected with MFN2-related conditions. This variant is not present in population databases (gnomAD no frequency).

NM_014874.4(MFN2):c.1625A>C (p.Glu542Ala)

Gene: MFN2 (mitofusin 2; plus strand). Cytogenetic location: 1p36.22.
Variant type: single nucleotide variant.
Coding change: c.1625A>C on transcript NM_014874.4 (MANE Select); coding-DNA position 1625, A replaced by C.
Protein change: p.Glu542Ala; replaces glutamic acid 542 with alanine.
Molecular consequence: missense variant.
Genome position (GRCh38, 1-based): chr1:12,005,840, A>C. VCF-style: chr1-12005840-A-C. GRCh37 (hg19) VCF-style: chr1-12065897-A-C.
Other names: c.1625A>C, p.Glu542Ala (NM_001127660.2); short protein forms E542A.
Identifiers: ClinVar variation 2040442 (VCV002040442.4), dbSNP rs887870089, ClinGen allele CA18012308.
Genomic context (GRCh38, chr1:12,005,840, plus strand): 5'-TCTCCCTCAACTATGACCTAAACTGTGACAAGCTGTGTGCTGACTTCCAGGAAGACATTG[A>C]GTTCCATTTCTCTCTCGGATGGACCATGCTGGTGAATAGGTTCCTGGGCCCCAAGAACAG-3'
Protein context (NP_055689.1, residues 532-552): KLCADFQEDI[Glu542Ala]FHFSLGWTML